The following is an entry in ClinVar:

ClinVar aggregate classification (germline): Pathogenic/Likely pathogenic. Review status: criteria provided, multiple submitters, no conflicts (2 of 4 stars). 5 submissions from 5 submitters: Pathogenic (2); Likely pathogenic (2). 1 of the submissions does not count toward it. Last evaluated 2023-08-17.

Conditions:
Leukodystrophy, hypomyelinating, 6. Also called: Hypomyelination with Atrophy of Basal Ganglia and Cerebellum (H-ABC); LEUKODYSTROPHY, HYPOMYELINATING, WITH ATROPHY OF THE BASAL GANGLIA AND CEREBELLUM; TUBB4A-Associated Leukodystrophy. Identifiers: Orphanet 139441, MedGen C2676244, MONDO:0012905, OMIM 612438.
Leukodystrophy. Identifiers: Orphanet 68356, MedGen C0023520, MONDO:0019046, HP:0002415.

Submissions (5):

GeneDx
Classification: Likely pathogenic. Last evaluated: 2023-08-17. Review status: criteria provided, single submitter. Criteria: GeneDx Variant Classification Process June 2021. Collection method: clinical testing. Allele origin: germline. Affected: yes.
Comment: Not observed at significant frequency in large population cohorts (gnomAD); In silico analysis supports that this missense variant has a deleterious effect on protein structure/function; This variant is associated with the following publications: (PMID: 27809427, 24785942, 33027950, 25168210, 34514881)

Women's Health and Genetics/Laboratory Corporation of America, LabCorp
Classification: Pathogenic for Leukodystrophy, hypomyelinating, 6. Last evaluated: 2023-07-17. Review status: criteria provided, single submitter. Criteria: LabCorp Variant Classification Summary - May 2015. Collection method: clinical testing. Allele origin: germline.
Comment: Variant summary: TUBB4A c.730G>A (p.Gly244Ser) results in a non-conservative amino acid change located in the GTPase domain (IPR003008) of the encoded protein sequence. Five of five in-silico tools predict a damaging effect of the variant on protein function. The variant was absent in 251384 control chromosomes (gnomAD). c.730G>A has been reported in the literature in at least five individuals affected with Hypomyelinating Leukodystrophy, including several de novo occurrences (e.g., Hamilton_2014, Carvalho_2015, Gavazzi_2021). These data indicate that the variant is very likely to be associated with disease. The following publications have been ascertained in the context of this evaluation (PMID: 34514881, 24785942, 25168210). No submitters have reported clinical-significance assessments for this variant to ClinVar after 2014. Based on the evidence outlined above, the variant was classified as pathogenic.

Molecular Diagnostics Lab, Nemours Children's Health, Delaware
Classification: Likely pathogenic for Leukodystrophy, hypomyelinating, 6. Last evaluated: 2020-12-30. Review status: criteria provided, single submitter. Criteria: ACMG Guidelines, 2015. Collection method: clinical testing. Allele origin: unknown. Inheritance: Autosomal dominant inheritance. Affected: yes. Observed: 1 heterozygote.
Comment: This missense variant (c.730G>A, p.Gly244Ser) has not been observed in population databases (gnomAD). It has been reported in the literature (PMID24785942). Variant prediction programs suggest a deleterious effect, although no functional studies have been published.

Cambridge Genomics Laboratory, East Genomic Laboratory Hub, NHS Genomic Medicine Service
Classification: Pathogenic for Leukodystrophy. Last evaluated: 2020-03-30. Review status: criteria provided, single submitter. Criteria: ACGS Best Practice Guidelines for Variant Classification in Rare Disease 2020. Collection method: clinical testing. Allele origin: germline. Affected: yes. Observed: 1 variant allele.

GeneReviews
No classification provided. Condition: Leukodystrophy, hypomyelinating, 6. Review status: no classification provided. Collection method: literature only. Allele origin: germline. Not counted in ClinVar's aggregate classification.

Literature cited by the submitters: PubMed 25168210 (cited by Women's Health and Genetics/Laboratory Corporation of America, LabCorp); PubMed 34514881 (cited by Women's Health and Genetics/Laboratory Corporation of America, LabCorp); PubMed 24785942 (cited by 3 submitters); NCBI Bookshelf NBK395611 (cited by GeneReviews).

NM_006087.4(TUBB4A):c.730G>A (p.Gly244Ser)

Gene: TUBB4A (tubulin beta 4A class IVa; minus strand). Cytogenetic location: 19p13.3.
Variant type: single nucleotide variant.
Coding change: c.730G>A on transcript NM_006087.4 (MANE Select); coding-DNA position 730, G replaced by A.
Protein change: p.Gly244Ser; replaces glycine 244 with serine.
Molecular consequence: missense variant.
Genome position (GRCh38, 1-based): chr19:6,495,769, C>T on the plus strand (G>A on the coding strand, the complement: TUBB4A is on the minus strand). VCF-style: chr19-6495769-C-T. GRCh37 (hg19) VCF-style: chr19-6495780-C-T.
Other names: c.730G>A (NM_006087.2); c.883G>A, p.Gly295Ser (NM_001289123.2); c.865G>A, p.Gly289Ser (NM_001289127.2); c.730G>A, p.Gly244Ser (NM_001289129.2); c.514G>A, p.Gly172Ser (NM_001289130.2, NM_001289131.2); short protein forms G244S, G295S, G289S, G172S.
Identifiers: ClinVar variation 267772 (VCV000267772.7), dbSNP rs886041007, ClinGen allele CA10602633.